The following is an entry in ClinVar:

NM_001384140.1(PCDH15):c.1631T>G (p.Ile544Ser)

Gene: PCDH15 (protocadherin related 15; minus strand). Cytogenetic location: 10q21.1.
Variant type: single nucleotide variant.
Coding change: c.1631T>G on transcript NM_001384140.1 (MANE Select); coding-DNA position 1631, T replaced by G.
Protein change: p.Ile544Ser; replaces isoleucine 544 with serine.
Molecular consequence: missense variant.
Genome position (GRCh38, 1-based): chr10:54,153,253, A>C on the plus strand (T>G on the coding strand, the complement: PCDH15 is on the minus strand). VCF-style: chr10-54153253-A-C. GRCh37 (hg19) VCF-style: chr10-55913013-A-C.
Other names: c.1646T>G, p.Ile549Ser (NM_001142763.2, NM_001142771.2); c.1631T>G, p.Ile544Ser (NM_001142764.2, NM_001142765.2, NM_001142766.2 and 6 more transcripts); c.1520T>G, p.Ile507Ser (NM_001142767.2); c.1565T>G, p.Ile522Ser (NM_001142768.2, NM_001142773.2, NM_001354404.2); c.1667T>G, p.Ile556Ser (NM_001142769.4); c.1652T>G, p.Ile551Ser (NM_001354411.2); short protein forms I544S, I507S, I549S, I556S, I551S, I522S.
Identifiers: ClinVar variation 300194 (VCV000300194.7), dbSNP rs886047066, ClinGen allele CA10631840.

ClinVar aggregate classification (germline): Uncertain significance. Review status: criteria provided, multiple submitters, no conflicts (2 of 4 stars). 2 submissions from 2 submitters: Uncertain significance (2). Last evaluated 2022-08-14.

Conditions:
Usher syndrome type 1 (USH1). Also called: RETINITIS PIGMENTOSA AND CONGENITAL DEAFNESS. Identifiers: Orphanet 231169, Orphanet 886, MedGen C1568247, MONDO:0010168, OMIM 276900.

Allele frequency attached by ClinVar (database versions not stated): gnomAD 0.00001; TOPMed 0.00002; gnomAD exomes 0.00003.
gnomAD v4.1: 14 of 1,613,572 alleles (0.00087%); highest among the groups gnomAD compares: Middle Eastern, 0.016%; no homozygotes.

Submissions (2):

Labcorp Genetics (formerly Invitae), Labcorp
Classification: Uncertain significance. Last evaluated: 2022-08-14. Review status: criteria provided, single submitter. Criteria: Invitae Variant Classification Sherloc (09022015). Collection method: clinical testing. Allele origin: germline.
Comment: This sequence change replaces isoleucine, which is neutral and non-polar, with serine, which is neutral and polar, at codon 544 of the PCDH15 protein (p.Ile544Ser). This variant is present in population databases (no rsID available, gnomAD 0.01%). This variant has not been reported in the literature in individuals affected with PCDH15-related conditions. ClinVar contains an entry for this variant (Variation ID: 300194). Algorithms developed to predict the effect of missense changes on protein structure and function are either unavailable or do not agree on the potential impact of this missense change (SIFT: "Deleterious"; PolyPhen-2: "Probably Damaging"; Align-GVGD: "Class C0"). In summary, the available evidence is currently insufficient to determine the role of this variant in disease. Therefore, it has been classified as a Variant of Uncertain Significance.

Illumina Laboratory Services, Illumina
Classification: Uncertain significance for Usher syndrome type 1. Last evaluated: 2018-01-13. Review status: criteria provided, single submitter. Criteria: ICSL Variant Classification Criteria 13 December 2019. Collection method: clinical testing. Allele origin: germline.